The following is an entry in ClinVar:

ClinVar aggregate classification (germline): Uncertain significance. Review status: criteria provided, multiple submitters, no conflicts (2 of 4 stars). 3 submissions from 3 submitters: Uncertain significance (2). 1 of the submissions does not count toward it. Last evaluated 2025-05-19.

Conditions:
Fanconi anemia (FA). Also called: Fanconi's anemia. Identifiers: Orphanet 84, MedGen C0015625, MeSH D005199, MONDO:0019391.
SLX4-related disorder. Also called: SLX4-related condition.
Inborn genetic diseases. Identifiers: MedGen C0950123, MeSH D030342.

Allele frequency attached by ClinVar (database versions not stated): gnomAD exomes 0.00001 and 0.00003; ExAC 0.00004; gnomAD 0.00007 and 0.00009; TOPMed 0.00011; 1000 Genomes Project 30x 0.00016; 1000 Genomes Project 0.00020.
gnomAD v4.1: 20 of 1,613,868 alleles (0.0012%); highest among the groups gnomAD compares: African/African-American, 0.017%; no homozygotes.

Submissions (3):

Labcorp Genetics (formerly Invitae), Labcorp
Classification: Uncertain significance for Fanconi anemia. Last evaluated: 2025-05-19. Review status: criteria provided, single submitter. Criteria: Invitae Variant Classification Sherloc (09022015). Collection method: clinical testing. Allele origin: germline.
Comment: This sequence change replaces valine, which is neutral and non-polar, with glycine, which is neutral and non-polar, at codon 1304 of the SLX4 protein (p.Val1304Gly). This variant is present in population databases (rs146837290, gnomAD 0.01%). This variant has not been reported in the literature in individuals affected with SLX4-related conditions. ClinVar contains an entry for this variant (Variation ID: 572889). An algorithm developed to predict the effect of missense changes on protein structure and function (PolyPhen-2) suggests that this variant is likely to be tolerated. In summary, the available evidence is currently insufficient to determine the role of this variant in disease. Therefore, it has been classified as a Variant of Uncertain Significance.

Ambry Genetics
Classification: Uncertain significance for Inborn genetic diseases. Last evaluated: 2025-04-13. Review status: criteria provided, single submitter. Criteria: Ambry Variant Classification Scheme 2023. Collection method: clinical testing. Allele origin: germline.

PreventionGenetics, part of Exact Sciences
Classification: Uncertain significance for SLX4-related condition. Last evaluated: 2024-02-13. Review status: no assertion criteria provided. Collection method: clinical testing. Allele origin: germline. Not counted in ClinVar's aggregate classification.
Comment: The SLX4 c.3911T>G variant is predicted to result in the amino acid substitution p.Val1304Gly. To our knowledge, this variant has not been reported in the literature. This variant is reported in 0.017% of alleles in individuals of Latino descent in gnomAD. At this time, the clinical significance of this variant is uncertain due to the absence of conclusive functional and genetic evidence.

NM_032444.4(SLX4):c.3911T>G (p.Val1304Gly)

Gene: SLX4 (SLX4 structure-specific endonuclease subunit; minus strand). Cytogenetic location: 16p13.3.
Variant type: single nucleotide variant.
Coding change: c.3911T>G on transcript NM_032444.4 (MANE Select); coding-DNA position 3911, T replaced by G.
Protein change: p.Val1304Gly; replaces valine 1304 with glycine.
Molecular consequence: missense variant.
Genome position (GRCh38, 1-based): chr16:3,589,727, A>C on the plus strand (T>G on the coding strand, the complement: SLX4 is on the minus strand). VCF-style: chr16-3589727-A-C. GRCh37 (hg19) VCF-style: chr16-3639728-A-C.
Other names: c.3911T>G (LRG_503t1, NM_032444.3); short protein forms V1304G.
Identifiers: ClinVar variation 572889 (VCV000572889.10), dbSNP rs146837290, ClinGen allele CA7865792.